The following is an entry in ClinVar:

ClinVar aggregate classification (germline): Uncertain significance. Review status: criteria provided, single submitter (1 of 4 stars). 2 submissions from 2 submitters: Uncertain significance (1). 1 of the submissions does not count toward it. Last evaluated 2021-01-04.

Conditions:
Usher syndrome type 1F (USH1F). Also called: USHER SYNDROME, TYPE IF. Identifiers: Orphanet 231169, Orphanet 886, MedGen C1865885, MONDO:0011186, OMIM 602083.

Allele frequency attached by ClinVar (database versions not stated): gnomAD exomes 0.00001; ExAC 0.00002.
gnomAD v4.1: 10 of 1,614,008 alleles (0.00062%); highest among the groups gnomAD compares: Middle Eastern, 0.016%; no homozygotes.

Submissions (2):

GeneDx
Classification: Uncertain significance. Last evaluated: 2021-01-04. Review status: criteria provided, single submitter. Criteria: GeneDx Variant Classification Process June 2021. Collection method: clinical testing. Allele origin: germline. Affected: yes.
Comment: Not observed at a significant frequency in large population cohorts (Lek et al., 2016); In silico analysis supports that this missense variant does not alter protein structure/function; Has not been previously published as pathogenic or benign to our knowledge

Natera, Inc.
Classification: Uncertain significance for Usher syndrome type 1F. Last evaluated: 2021-04-09. Review status: no assertion criteria provided. Collection method: clinical testing. Allele origin: germline. Not counted in ClinVar's aggregate classification.

NM_033056.4(PCDH15):c.4552G>A (p.Asp1518Asn)

Gene: PCDH15 (protocadherin related 15; minus strand). Cytogenetic location: 10q21.1.
Variant type: single nucleotide variant.
Coding change: c.4552G>A on transcript NM_033056.4 (MANE Plus Clinical); coding-DNA position 4552, G replaced by A.
Protein change: p.Asp1518Asn; replaces aspartic acid 1518 with asparagine.
Molecular consequence: missense variant. On other transcripts: intron variant (8).
Genome position (GRCh38, 1-based): chr10:53,823,174, C>T on the plus strand (G>A on the coding strand, the complement: PCDH15 is on the minus strand). VCF-style: chr10-53823174-C-T. GRCh37 (hg19) VCF-style: chr10-55582934-C-T.
Other names: c.4573G>A, p.Asp1525Asn (NM_001142763.2); c.4558G>A, p.Asp1520Asn (NM_001142764.2); c.4345G>A, p.Asp1449Asn (NM_001142765.2); c.4543G>A, p.Asp1515Asn (NM_001142766.2); c.4432G>A, p.Asp1478Asn (NM_001142767.2); c.4492G>A, p.Asp1498Asn (NM_001142768.2); c.4483G>A, p.Asp1495Asn (NM_001142773.2); c.4486G>A, p.Asp1496Asn (NM_001354404.2); and 6 more; short protein forms D1449N, D1478N, D1495N, D1496N, D1498N, D1515N, D1518N, D1520N.
Identifiers: ClinVar variation 1198906 (VCV001198906.3), dbSNP rs768952458, ClinGen allele CA5505250.